The following is an entry in ClinVar:

NM_002878.4(RAD51D):c.196G>A (p.Val66Met)

Genes: RAD51D (RAD51 paralog D; minus strand), RAD51L3-RFFL (RAD51L3-RFFL readthrough; minus strand). Cytogenetic location: 17q12.
Variant type: single nucleotide variant.
Coding change: c.196G>A on transcript NM_002878.4 (MANE Select); coding-DNA position 196, G replaced by A.
Protein change: p.Val66Met; replaces valine 66 with methionine.
Molecular consequence: missense variant. On other transcripts: intron variant (2).
Genome position (GRCh38, 1-based): chr17:35,118,568, C>T on the plus strand (G>A on the coding strand, the complement: RAD51D is on the minus strand). VCF-style: chr17-35118568-C-T. GRCh37 (hg19) VCF-style: chr17-33445587-C-T.
Other names: c.144+543G>A (NM_133629.3, NM_001142571.2); short protein forms V66M.
Identifiers: ClinVar variation 141578 (VCV000141578.53), dbSNP rs56026142, ClinGen allele CA165840.

ClinVar aggregate classification (germline): Conflicting classifications of pathogenicity. Review status: criteria provided, conflicting classifications (1 of 4 stars). 19 submissions from 19 submitters: Uncertain significance (3); Benign (2); Likely benign (10). 4 of the submissions do not count toward it. Last evaluated 2026-09-01.

Conditions:
RAD51D-related disorder. Also called: RAD51D-related condition.
Breast and/or ovarian cancer. Identifiers: MedGen CN221562.
Hereditary cancer-predisposing syndrome. Also called: Neoplastic Syndromes, Hereditary; Tumor predisposition; Hereditary neoplastic syndrome; Hereditary Cancer Syndrome. Identifiers: Orphanet 140162, MedGen C0027672, MeSH D009386, MONDO:0015356.
Hereditary breast ovarian cancer syndrome. Also called: Breast and ovarian cancer; BRCA1- and BRCA2-Associated Hereditary Breast and Ovarian Cancer; Hereditary breast and/or ovarian cancer syndrome; Hereditary breast and ovarian cancer syndrome; Hereditary breast and ovarian cancer; Hereditary breast and ovarian cancer syndrome (HBOC). Identifiers: Orphanet 145, MedGen C0677776, MeSH D061325, MONDO:0003582. Disease mechanism: loss of function.
Breast-ovarian cancer, familial, susceptibility to, 4. Identifiers: Orphanet 145, MedGen C3280345, MONDO:0013669, OMIM 614291.

Allele frequency attached by ClinVar (database versions not stated): gnomAD 0.00009 and 0.00019; TOPMed 0.00020; gnomAD exomes 0.00032; ExAC 0.00033; 1000 Genomes Project 0.00060; 1000 Genomes Project 30x 0.00062.
gnomAD v4.1: 420 of 1,614,178 alleles (0.026%); highest among the groups gnomAD compares: East Asian, 0.83%; 1 homozygote.

Submissions (19):

CeGaT Center for Human Genetics Tuebingen
Classification: Likely benign. Last evaluated: 2026-09-01. Review status: criteria provided, single submitter. Criteria: CeGaT Center For Human Genetics Tuebingen Variant Classification Criteria Version 2. Collection method: clinical testing. Allele origin: germline. Affected: yes. Observed: 1 variant allele.
Comment: RAD51D: BP4, BS1

Dasa
Classification: Likely benign. Last evaluated: 2026-03-25. Review status: criteria provided, single submitter. Criteria: DASA Assertion Criteria. Collection method: clinical testing. Allele origin: germline.
Comment: NM_002878.4(RAD51D):c.196G>A (p.Val66Met) is a missense variant that results in the substitution of valine with methionine. Population frequency is inconsistent with a disease-causing role for this variant. Computational prediction algorithms are consistent with a benign effect. Therefore, based on the currently available evidence, this variant is classified as likely benign.

Labcorp Genetics (formerly Invitae), Labcorp
Classification: Benign for Breast-ovarian cancer, familial, susceptibility to, 4. Last evaluated: 2026-02-02. Review status: criteria provided, single submitter. Criteria: Invitae Variant Classification Sherloc (09022015). Collection method: clinical testing. Allele origin: germline.

Center for Genomic Medicine, Rigshospitalet, Copenhagen University Hospital
Classification: Uncertain significance. Last evaluated: 2025-03-04. Review status: criteria provided, single submitter. Criteria: ACMG Guidelines, 2015. Collection method: clinical testing. Allele origin: germline.

Myriad Genetics, Inc.
Classification: Likely benign for Breast-ovarian cancer, familial, susceptibility to, 4. Last evaluated: 2024-12-19. Review status: criteria provided, single submitter. Criteria: Myriad Autosomal Dominant, Autosomal Recessive and X-Linked Classification Criteria (2023). Collection method: clinical testing. Allele origin: unknown.
Comment: This variant is considered likely benign. This variant is strongly associated with less severe personal and family histories of cancer, typical for individuals without pathogenic variants in this gene [PMID: 25085752].

Department of Pathology and Laboratory Medicine, Sinai Health System
Classification: Likely benign for Hereditary breast ovarian cancer syndrome. Last evaluated: 2023-06-15. Review status: criteria provided, single submitter. Criteria: ACMG Guidelines, 2015. Collection method: clinical testing. Allele origin: germline. Affected: yes.

Quest Diagnostics Nichols Institute San Juan Capistrano
Classification: Likely benign. Last evaluated: 2022-08-27. Review status: criteria provided, single submitter. Criteria: Quest Diagnostics criteria. Collection method: clinical testing. Allele origin: unknown.

CHEO Genetics Diagnostic Laboratory, Children's Hospital of Eastern Ontario
Classification: Likely benign for Breast and/or ovarian cancer. Last evaluated: 2021-06-16. Review status: criteria provided, single submitter. Criteria: ACMG Guidelines, 2015. Collection method: clinical testing. Allele origin: germline.

Sema4
Classification: Likely benign for Hereditary cancer-predisposing syndrome. Last evaluated: 2021-03-01. Review status: criteria provided, single submitter. Criteria: Sema4 Curation Guidelines. Collection method: curation. Allele origin: germline.

Women's Health and Genetics/Laboratory Corporation of America, LabCorp
Classification: Benign. Last evaluated: 2020-10-15. Review status: criteria provided, single submitter. Criteria: LabCorp Variant Classification Summary - May 2015. Collection method: clinical testing. Allele origin: germline.
Comment: Variant summary: RAD51D c.196G>A (p.Val66Met) results in a conservative amino acid change in the encoded protein sequence. Five of five in-silico tools predict a benign effect of the variant on protein function. The variant allele was found at a frequency of 0.00032 in 251384 control chromosomes, predominantly at a frequency of 0.0036 within the East Asian subpopulation in the gnomAD database. The observed variant frequency within East Asian control individuals in the gnomAD database is approximately 29 fold of the estimated maximal expected allele frequency for a pathogenic variant in RAD51D causing Hereditary Breast And Ovarian Cancer Syndrome phenotype (0.00013). In addition, allele frequency of this variant in 8380 Japanese controls is 0.0137 (jMorp database). These data strongly suggest that the variant is a benign polymorphism found primarily in populations of East Asian origin. c.196G>A has been reported in the literature in individuals affected with various types of cancer (Lu_2015, Yurgelun_2017, Hauke_2018, Wei_2019). These reports do not provide unequivocal conclusions about association of the variant with Hereditary Breast And Ovarian Cancer Syndrome. Co-occurrence with a pathogenic variant has been reported (BRCA2 c.571_572insAT, p.D191fs, Wei_2019), providing supporting evidence for a benign role. To our knowledge, no experimental evidence demonstrating an impact on protein function has been reported. Seven clinical diagnostic laboratories have submitted clinical-significance assessments for this variant to ClinVar after 2014 without evidence for independent evaluation. Multiple laboratories reported the variant with conflicting assessments (benign/likely benign n=4, VUS n=3). Based on the evidence outlined above, the variant was classified as benign.

Cancer Genomics Group, Japanese Foundation For Cancer Research
Classification: Uncertain significance for Hereditary breast and ovarian cancer syndrome. Last evaluated: 2019-05-01. Review status: criteria provided, single submitter. Criteria: ACMG Guidelines, 2015. Collection method: research. Allele origin: germline. Affected: yes.

Ambry Genetics
Classification: Likely benign for Hereditary cancer-predisposing syndrome. Last evaluated: 2018-09-23. Review status: criteria provided, single submitter. Criteria: Ambry Variant Classification Scheme 2023. Collection method: clinical testing. Allele origin: germline.

GeneDx
Classification: Likely benign. Last evaluated: 2017-10-11. Review status: criteria provided, single submitter. Criteria: GeneDx Variant Classification (06012015). Collection method: clinical testing. Allele origin: germline. Affected: yes.
Comment: This variant is considered likely benign or benign based on one or more of the following criteria: it is a conservative change, it occurs at a poorly conserved position in the protein, it is predicted to be benign by multiple in silico algorithms, and/or has population frequency not consistent with disease.

Color Diagnostics, LLC DBA Color Health
Classification: Likely benign for Hereditary cancer-predisposing syndrome. Last evaluated: 2015-11-16. Review status: criteria provided, single submitter. Criteria: ACMG Guidelines, 2015. Collection method: clinical testing. Allele origin: germline.

Genomic Diagnostic Laboratory, Division of Genomic Diagnostics, Children's Hospital of Philadelphia
Classification: Uncertain significance. Last evaluated: 2015-07-30. Review status: criteria provided, single submitter. Criteria: DGD Variant Analysis Guidelines. Collection method: clinical testing. Allele origin: unknown.

PreventionGenetics, part of Exact Sciences
Classification: Likely benign for RAD51D-related condition. Last evaluated: 2019-07-16. Review status: no assertion criteria provided. Collection method: clinical testing. Allele origin: germline. Not counted in ClinVar's aggregate classification.
Comment: This variant is classified as likely benign based on ACMG/AMP sequence variant interpretation guidelines (Richards et al. 2015 PMID: 25741868, with internal and published modifications).

Counsyl
Classification: Uncertain significance for Breast-ovarian cancer, familial, susceptibility to, 4. Last evaluated: 2016-08-22. Review status: no assertion criteria provided. Collection method: clinical testing. Allele origin: unknown. Not counted in ClinVar's aggregate classification.

Clinical Genetics DNA and cytogenetics Diagnostics Lab, Erasmus MC, Erasmus Medical Center
Classification: Likely benign. Review status: no assertion criteria provided. Collection method: clinical testing. Allele origin: germline. Affected: yes. Study: VKGL Data-share Consensus. Not counted in ClinVar's aggregate classification.

Joint Genome Diagnostic Labs from Nijmegen and Maastricht, Radboudumc and MUMC+
Classification: Likely benign. Review status: no assertion criteria provided. Collection method: clinical testing. Allele origin: germline. Affected: yes. Study: VKGL Data-share Consensus. Not counted in ClinVar's aggregate classification.

Literature cited by the submitters: PubMed 25085752 (cited by Myriad Genetics, Inc.); PubMed 31248605 (cited by Department of Pathology and Laboratory Medicine, Sinai Health System and Women's Health and Genetics/Laboratory Corporation of America, LabCorp); PubMed 29522266 (cited by 3 submitters); PubMed 28135145 (cited by 3 submitters); PubMed 26689913 (cited by 4 submitters); PubMed 34200360 (cited by Quest Diagnostics Nichols Institute San Juan Capistrano).